The following is an entry in ClinVar:

ClinVar aggregate classification (germline): Uncertain significance (1 of 4 stars; one submission).

Conditions:
Emery-Dreifuss muscular dystrophy 5, autosomal dominant (EDMD5). Also called: EMERY-DREIFUSS MUSCULAR DYSTROPHY 5. Identifiers: Orphanet 261, MedGen C2751805, MONDO:0013072, OMIM 612999.

Submission:

Labcorp Genetics (formerly Invitae), Labcorp
Classification: Uncertain significance for Emery-Dreifuss muscular dystrophy 5, autosomal dominant. Last evaluated: 2025-05-11. Review status: criteria provided, single submitter. Criteria: Invitae Variant Classification Sherloc (09022015). Collection method: clinical testing. Allele origin: germline.
Comment: This sequence change replaces valine, which is neutral and non-polar, with alanine, which is neutral and non-polar, at codon 1533 of the SYNE2 protein (p.Val1533Ala). This variant is not present in population databases (gnomAD no frequency). This variant has not been reported in the literature in individuals affected with SYNE2-related conditions. An algorithm developed to predict the effect of missense changes on protein structure and function outputs the following: PolyPhen-2: "Benign". The alanine amino acid residue is found in multiple mammalian species, which suggests that this missense change does not adversely affect protein function. In summary, the available evidence is currently insufficient to determine the role of this variant in disease. Therefore, it has been classified as a Variant of Uncertain Significance.

NM_182914.3(SYNE2):c.4598T>C (p.Val1533Ala)

Gene: SYNE2 (spectrin repeat containing nuclear envelope protein 2; plus strand). Cytogenetic location: 14q23.2.
Variant type: single nucleotide variant.
Coding change: c.4598T>C on transcript NM_182914.3 (MANE Select); coding-DNA position 4598, T replaced by C.
Protein change: p.Val1533Ala; replaces valine 1533 with alanine.
Molecular consequence: missense variant.
Genome position (GRCh38, 1-based): chr14:64,009,986, T>C. VCF-style: chr14-64009986-T-C. GRCh37 (hg19) VCF-style: chr14-64476704-T-C.
Other names: c.4598T>C, p.Val1533Ala (NM_015180.6); short protein forms V1533A.
Identifiers: ClinVar variation 4766557 (VCV004766557.1).